The following is an entry in ClinVar:

NM_014244.5(ADAMTS2):c.712A>C (p.Ser238Arg)

Gene: ADAMTS2 (ADAM metallopeptidase with thrombospondin type 1 motif 2; minus strand). Cytogenetic location: 5q35.3.
Variant type: single nucleotide variant.
Coding change: c.712A>C on transcript NM_014244.5 (MANE Select); coding-DNA position 712, A replaced by C.
Protein change: p.Ser238Arg; replaces serine 238 with arginine.
Molecular consequence: missense variant.
Genome position (GRCh38, 1-based): chr5:179,207,692, T>G on the plus strand (A>C on the coding strand, the complement: ADAMTS2 is on the minus strand). VCF-style: chr5-179207692-T-G. GRCh37 (hg19) VCF-style: chr5-178634693-T-G.
Other names: c.712A>C (NM_014244.4); c.712A>C, p.Ser238Arg (NM_021599.4); short protein forms S238R.
Identifiers: ClinVar variation 2158977 (VCV002158977.27), dbSNP rs758653273, ClinGen allele CA3596196.

ClinVar aggregate classification (germline): Uncertain significance. Review status: criteria provided, multiple submitters, no conflicts (2 of 4 stars). 3 submissions from 3 submitters: Uncertain significance (3). Last evaluated 2024-05-28.

Conditions:
Ehlers-Danlos syndrome, dermatosparaxis type. Also called: Dermatosparaxis; EDS VIIC; Ehlers-Danlos syndrome, type VII, autosomal recessive. Identifiers: Orphanet 1901, MedGen C2700425, MONDO:0009161, OMIM 225410.

Allele frequency attached by ClinVar (database versions not stated): TOPMed below 0.00001; ExAC 0.00001.
gnomAD v4.1: 11 of 1,611,622 alleles (0.00068%); highest among the groups gnomAD compares: Non-Finnish European, 0.00093%; no homozygotes.

Submissions (3):

GeneDx
Classification: Uncertain significance. Last evaluated: 2024-05-28. Review status: criteria provided, single submitter. Criteria: GeneDx Variant Classification Process June 2021. Collection method: clinical testing. Allele origin: germline. Affected: yes.
Comment: Not observed at significant frequency in large population cohorts (gnomAD); In silico analysis indicates that this missense variant does not alter protein structure/function; Has not been previously published as pathogenic or benign to our knowledge

CeGaT Center for Human Genetics Tuebingen
Classification: Uncertain significance. Last evaluated: 2023-08-01. Review status: criteria provided, single submitter. Criteria: CeGaT Center For Human Genetics Tuebingen Variant Classification Criteria Version 2. Collection method: clinical testing. Allele origin: germline. Affected: yes. Observed: 1 variant allele.
Comment: ADAMTS2: PM2, BP4

Labcorp Genetics (formerly Invitae), Labcorp
Classification: Uncertain significance for Ehlers-Danlos syndrome, dermatosparaxis type. Last evaluated: 2022-02-20. Review status: criteria provided, single submitter. Criteria: Invitae Variant Classification Sherloc (09022015). Collection method: clinical testing. Allele origin: germline.
Comment: This sequence change replaces serine, which is neutral and polar, with arginine, which is basic and polar, at codon 238 of the ADAMTS2 protein (p.Ser238Arg). This variant is not present in population databases (gnomAD no frequency). This variant has not been reported in the literature in individuals affected with ADAMTS2-related conditions. Algorithms developed to predict the effect of missense changes on protein structure and function output the following: SIFT: "Tolerated"; PolyPhen-2: "Benign"; Align-GVGD: "Class C15". The arginine amino acid residue is found in multiple mammalian species, which suggests that this missense change does not adversely affect protein function. In summary, the available evidence is currently insufficient to determine the role of this variant in disease. Therefore, it has been classified as a Variant of Uncertain Significance.